The following is an entry in ClinVar:

ClinVar aggregate classification (germline): Uncertain significance (1 of 4 stars; one submission).

Allele frequency attached by ClinVar (database versions not stated): gnomAD exomes below 0.00001; ExAC 0.00001; TOPMed 0.00002.

Submission:

Labcorp Genetics (formerly Invitae), Labcorp
Classification: Uncertain significance. Last evaluated: 2025-04-17. Review status: criteria provided, single submitter. Criteria: Invitae Variant Classification Sherloc (09022015). Collection method: clinical testing. Allele origin: germline.
Comment: This sequence change replaces arginine, which is basic and polar, with tryptophan, which is neutral and slightly polar, at codon 28 of the RAX2 protein (p.Arg28Trp). This variant is present in population databases (rs779669577, gnomAD 0.003%). This missense change has been observed in individual(s) with clinical features of RAX2-related conditions (internal data). ClinVar contains an entry for this variant (Variation ID: 1039092). An algorithm developed to predict the effect of missense changes on protein structure and function (PolyPhen-2) suggests that this variant is likely to be disruptive. In summary, the available evidence is currently insufficient to determine the role of this variant in disease. Therefore, it has been classified as a Variant of Uncertain Significance.

NM_001319074.4(RAX2):c.82C>T (p.Arg28Trp)

Gene: RAX2 (retina and anterior neural fold homeobox 2; minus strand). Cytogenetic location: 19p13.3.
Variant type: single nucleotide variant.
Coding change: c.82C>T on transcript NM_001319074.4 (MANE Select); coding-DNA position 82, C replaced by T.
Protein change: p.Arg28Trp; replaces arginine 28 with tryptophan.
Molecular consequence: missense variant.
Genome position (GRCh38, 1-based): chr19:3,771,661, G>A on the plus strand (C>T on the coding strand, the complement: RAX2 is on the minus strand). VCF-style: chr19-3771661-G-A. GRCh37 (hg19) VCF-style: chr19-3771659-G-A.
Other names: c.82C>T, p.Arg28Trp (NM_032753.4); short protein forms R28W.
Identifiers: ClinVar variation 1039092 (VCV001039092.6), dbSNP rs779669577, ClinGen allele CA9085124.